The following is an entry in ClinVar:

NM_201384.3(PLEC):c.9604G>A (p.Asp3202Asn)

Gene: PLEC (plectin; minus strand). Cytogenetic location: 8q24.3.
Variant type: single nucleotide variant.
Coding change: c.9604G>A on transcript NM_201384.3 (MANE Select); coding-DNA position 9604, G replaced by A.
Protein change: p.Asp3202Asn; replaces aspartic acid 3202 with asparagine.
Molecular consequence: missense variant.
Genome position (GRCh38, 1-based): chr8:143,920,217, C>T on the plus strand (G>A on the coding strand, the complement: PLEC is on the minus strand). VCF-style: chr8-143920217-C-T. GRCh37 (hg19) VCF-style: chr8-144994385-C-T.
Other names: c.9685G>A (NM_000445.3); c.9685G>A, p.Asp3229Asn (NM_000445.5); c.9562G>A, p.Asp3188Asn (NM_201378.4); c.9538G>A, p.Asp3180Asn (NM_201379.3); c.10015G>A, p.Asp3339Asn (NM_201380.4); c.9508G>A, p.Asp3170Asn (NM_201381.3); c.9604G>A, p.Asp3202Asn (NM_201382.4); c.9616G>A, p.Asp3206Asn (NM_201383.3); short protein forms D3170N, D3180N, D3188N, D3202N, D3206N, D3229N, D3339N.
Identifiers: ClinVar variation 497118 (VCV000497118.21), dbSNP rs782598101, ClinGen allele CA4924915.
Genomic context (GRCh38, chr8:143,920,217, plus strand): 5'-CCTGCCGGGCCCGAGCAGCCTTTTCTGAGAGCGGCAGCAGGCTCAGCCCGGTCAGCTGGT[C>T]GGGCCGGCACCGCTGCTGGAGCTCGCCGTAGGTGGCCGGCTCCCCTGTGCTGGGGTCACT-3'
Protein context (NP_958786.1, residues 3192-3212): YGELQQRCRP[Asp3202Asn]QLTGLSLLPL

ClinVar aggregate classification (germline): Uncertain significance. Review status: criteria provided, multiple submitters, no conflicts (2 of 4 stars). 7 submissions from 7 submitters: Uncertain significance (7). Last evaluated 2026-04-06.

Conditions:
Epidermolysis bullosa simplex 5C, with pyloric atresia (EBS5C). Also called: PLEC-Related Epidermolysis Bullosa with Pyloric Atresia; Epidermolysis bullosa simplex with pyloric atresia; PLEC1-Related Epidermolysis Bullosa with Pyloric Atresia. Identifiers: Orphanet 158684, MedGen C2677349, MONDO:0012807, OMIM 612138.
Autosomal recessive limb-girdle muscular dystrophy type 2Q (LGMDR17). Also called: MUSCULAR DYSTROPHY, LIMB-GIRDLE, AUTOSOMAL RECESSIVE 17. Identifiers: Orphanet 254361, MedGen C3150989, MONDO:0013390, OMIM 613723.
Epidermolysis bullosa simplex with nail dystrophy (EBS5D). Identifiers: MedGen C4225309, MONDO:0014661, OMIM 616487.
Epidermolysis bullosa simplex 5B, with muscular dystrophy (EBS5B). Also called: EPIDERMOLYSIS BULLOSA SIMPLEX AND LIMB-GIRDLE MUSCULAR DYSTROPHY; Epidermolysis bullosa simplex with muscular dystrophy. Identifiers: Orphanet 257, MedGen C2931072, MONDO:0009181, OMIM 226670.
Epidermolysis bullosa simplex, Ogna type (EBS5A). Also called: Pidermolysis bullosa simplex 5A, Ogna type; EPIDERMOLYSIS BULLOSA SIMPLEX 5A, OGNA TYPE. Identifiers: Orphanet 79401, MedGen C0432317, MONDO:0007555, OMIM 131950.
Inborn genetic diseases. Identifiers: MedGen C0950123, MeSH D030342.

Allele frequency attached by ClinVar (database versions not stated): ExAC 0.00005; gnomAD exomes 0.00005 and 0.00007; gnomAD 0.00009 and 0.00010; TOPMed 0.00010.
gnomAD v4.1: 99 of 1,606,516 alleles (0.0062%); highest among the groups gnomAD compares: Admixed American, 0.028%; no homozygotes.

Submissions (7):

Women's Health and Genetics/Laboratory Corporation of America, LabCorp
Classification: Uncertain significance. Last evaluated: 2026-04-06. Review status: criteria provided, single submitter. Criteria: LabCorp Variant Classification Summary - May 2015. Collection method: clinical testing. Allele origin: germline.
Comment: Variant summary: PLEC c.9685G>A (p.Asp3229Asn) results in a conservative amino acid change in the encoded protein sequence. Algorithms developed to predict the effect of missense changes on protein structure and function are either unavailable or do not agree on the potential impact of this missense change. The variant allele was found at a frequency of 7e-05 in 228696 control chromosomes. This frequency is not significantly higher than estimated for disease-causing variants in PLEC, allowing no conclusion about variant significance. To our knowledge, no occurrence of c.9685G>A in individuals affected with PLEC-related conditions and no experimental evidence demonstrating its impact on protein function have been reported. ClinVar contains an entry for this variant (Variation ID: 497118). Based on the evidence outlined above, the variant was classified as uncertain significance.

Labcorp Genetics (formerly Invitae), Labcorp
Classification: Uncertain significance for Autosomal recessive limb-girdle muscular dystrophy type 2Q; Epidermolysis bullosa simplex, Ogna type; Epidermolysis bullosa simplex with nail dystrophy; Epidermolysis bullosa simplex 5C, with pyloric atresia; Epidermolysis bullosa simplex 5B, with muscular dystrophy. Last evaluated: 2026-02-01. Review status: criteria provided, single submitter. Criteria: Invitae Variant Classification Sherloc (09022015). Collection method: clinical testing. Allele origin: germline.
Comment: This sequence change replaces aspartic acid, which is acidic and polar, with asparagine, which is neutral and polar, at codon 3229 of the PLEC protein (p.Asp3229Asn). This variant is present in population databases (rs782598101, gnomAD 0.02%). This variant has not been reported in the literature in individuals affected with PLEC-related conditions. ClinVar contains an entry for this variant (Variation ID: 497118). An algorithm developed to predict the effect of missense changes on protein structure and function (PolyPhen-2) suggests that this variant is likely to be disruptive. In summary, the available evidence is currently insufficient to determine the role of this variant in disease. Therefore, it has been classified as a Variant of Uncertain Significance.

Revvity Omics, Revvity
Classification: Uncertain significance. Last evaluated: 2025-06-20. Review status: criteria provided, single submitter. Criteria: ACMG Guidelines, 2015. Collection method: clinical testing. Allele origin: germline.

Ambry Genetics
Classification: Uncertain significance for Inborn genetic diseases. Last evaluated: 2024-11-13. Review status: criteria provided, single submitter. Criteria: Ambry Variant Classification Scheme 2023. Collection method: clinical testing. Allele origin: germline.

Mayo Clinic Laboratories, Mayo Clinic
Classification: Uncertain significance. Last evaluated: 2021-03-04. Review status: criteria provided, single submitter. Criteria: ACMG Guidelines, 2015. Collection method: clinical testing. Allele origin: germline. Observed: 1 variant allele.

Eurofins Ntd Llc (ga)
Classification: Uncertain significance. Last evaluated: 2016-12-27. Review status: criteria provided, single submitter. Criteria: EGL Classification Definitions 2015. Collection method: clinical testing. Allele origin: germline. Observed: 3 variant alleles, 3 heterozygotes.

Breakthrough Genomics
Classification: Uncertain significance. Review status: criteria provided, single submitter. Criteria: ACMG Guidelines, 2015. Collection method: not provided. Allele origin: germline. Inheritance: Autosomal recessive inheritance. Affected: yes.